The following is an entry in ClinVar:

NM_021930.6(RINT1):c.449G>T (p.Ser150Ile)

Gene: RINT1 (RAD50 interactor 1; plus strand). Cytogenetic location: 7q22.3.
Variant type: single nucleotide variant.
Coding change: c.449G>T on transcript NM_021930.6 (MANE Select); coding-DNA position 449, G replaced by T.
Protein change: p.Ser150Ile; replaces serine 150 with isoleucine.
Molecular consequence: missense variant. On other transcripts: 5 prime UTR variant (3), non-coding transcript variant (1).
Genome position (GRCh38, 1-based): chr7:105,542,583, G>T. VCF-style: chr7-105542583-G-T. GRCh37 (hg19) VCF-style: chr7-105183030-G-T.
Other names: c.215G>T, p.Ser72Ile (NM_001346599.2); c.-571G>T (NM_001346600.2); c.-474G>T (NM_001346601.2); c.-94G>T (NM_001346603.2); short protein forms S72I, S150I.
Identifiers: ClinVar variation 3433614 (VCV003433614.1).

ClinVar aggregate classification (germline): Uncertain significance (1 of 4 stars; one submission).

Submission:

Ambry Genetics
Classification: Uncertain significance. Last evaluated: 2024-09-02. Review status: criteria provided, single submitter. Criteria: Ambry Variant Classification Scheme 2023. Collection method: clinical testing. Allele origin: germline.
Comment: The p.S150I variant (also known as c.449G>T), located in coding exon 4 of the RINT1 gene, results from a G to T substitution at nucleotide position 449. The serine at codon 150 is replaced by isoleucine, an amino acid with dissimilar properties. This amino acid position is conserved. In addition, this alteration is predicted to be tolerated by in silico analysis. Based on the available evidence, the clinical significance of this variant remains unclear.